The following is an entry in ClinVar:

NM_000038.6(APC):c.7436C>T (p.Ala2479Val)

Gene: APC (APC regulator of Wnt signaling pathway; plus strand). Cytogenetic location: 5q22.2.
Variant type: single nucleotide variant.
Coding change: c.7436C>T on transcript NM_000038.6 (MANE Select); coding-DNA position 7436, C replaced by T.
Protein change: p.Ala2479Val; replaces alanine 2479 with valine.
Molecular consequence: missense variant.
Genome position (GRCh38, 1-based): chr5:112,843,030, C>T. VCF-style: chr5-112843030-C-T. GRCh37 (hg19) VCF-style: chr5-112178727-C-T.
Other names: c.7436C>T, p.Ala2479Val (NM_001127510.3, NM_001354895.2); c.7382C>T, p.Ala2461Val (NM_001127511.3); c.7490C>T, p.Ala2497Val (NM_001354896.2); c.7466C>T, p.Ala2489Val (NM_001354897.2); c.7361C>T, p.Ala2454Val (NM_001354898.2); c.7352C>T, p.Ala2451Val (NM_001354899.2); c.7313C>T, p.Ala2438Val (NM_001354900.2); c.7259C>T, p.Ala2420Val (NM_001354901.2); and 5 more; short protein forms A2353V, A2388V, A2420V, A2438V, A2378V, A2454V, A2479V, A2461V.
Identifiers: ClinVar variation 1516419 (VCV001516419.11), dbSNP rs2149987002, ClinGen allele CA16037515.

ClinVar aggregate classification (germline): Uncertain significance. Review status: criteria provided, multiple submitters, no conflicts (2 of 4 stars). 2 submissions from 2 submitters: Uncertain significance (2). Last evaluated 2025-12-10.

Conditions:
Hereditary cancer-predisposing syndrome. Also called: Tumor predisposition; Neoplastic Syndromes, Hereditary; Hereditary neoplastic syndrome; Hereditary Cancer Syndrome. Identifiers: Orphanet 140162, MedGen C0027672, MeSH D009386, MONDO:0015356.
Familial adenomatous polyposis 1 (FAP1). Also called: FAMILIAL ADENOMATOUS POLYPOSIS 1, ATTENUATED; POLYPOSIS, ADENOMATOUS INTESTINAL. Identifiers: MedGen C2713442, MONDO:0021056, OMIM 175100. Disease mechanism: loss of function.

Submissions (2):

Ambry Genetics
Classification: Uncertain significance for Hereditary cancer-predisposing syndrome. Last evaluated: 2025-12-10. Review status: criteria provided, single submitter. Criteria: Ambry Variant Classification Scheme 2023. Collection method: clinical testing. Allele origin: germline.
Comment: The p.A2479V variant (also known as c.7436C>T), located in coding exon 15 of the APC gene, results from a C to T substitution at nucleotide position 7436. The alanine at codon 2479 is replaced by valine, an amino acid with similar properties. This amino acid position is not well conserved in available vertebrate species. In addition, in silico predictors for this gene do not accurately predict pathogenicity. Missense variants in APC are not a common cause of disease (Spier I et al. Genet Med. 2024 Feb;26(2):100992). Based on the available evidence, the clinical significance of this variant remains unclear.

Labcorp Genetics (formerly Invitae), Labcorp
Classification: Uncertain significance for Familial adenomatous polyposis 1. Last evaluated: 2025-09-24. Review status: criteria provided, single submitter. Criteria: Invitae Variant Classification Sherloc (09022015). Collection method: clinical testing. Allele origin: germline.
Comment: This sequence change replaces alanine, which is neutral and non-polar, with valine, which is neutral and non-polar, at codon 2479 of the APC protein (p.Ala2479Val). This variant is not present in population databases (gnomAD no frequency). This variant has not been reported in the literature in individuals affected with APC-related conditions. ClinVar contains an entry for this variant (Variation ID: 1516419). Invitae Evidence Modeling of protein sequence and biophysical properties (such as structural, functional, and spatial information, amino acid conservation, physicochemical variation, residue mobility, and thermodynamic stability) indicates that this missense variant is not expected to disrupt APC protein function with a negative predictive value of 95%. In summary, the available evidence is currently insufficient to determine the role of this variant in disease. Therefore, it has been classified as a Variant of Uncertain Significance.